The following is an entry in ClinVar:

ClinVar aggregate classification (germline): Uncertain significance (1 of 4 stars; one submission).

gnomAD v4.1: 1 of 1,614,064 alleles (0.000062%); highest among the groups gnomAD compares: Non-Finnish European, 0.000085%; no homozygotes.

Submission:

Labcorp Genetics (formerly Invitae), Labcorp
Classification: Uncertain significance. Last evaluated: 2024-07-06. Review status: criteria provided, single submitter. Criteria: Invitae Variant Classification Sherloc (09022015). Collection method: clinical testing. Allele origin: germline.
Comment: This sequence change replaces asparagine, which is neutral and polar, with aspartic acid, which is acidic and polar, at codon 964 of the HMCN1 protein (p.Asn964Asp). This variant is not present in population databases (gnomAD no frequency). This variant has not been reported in the literature in individuals affected with HMCN1-related conditions. An algorithm developed to predict the effect of missense changes on protein structure and function (PolyPhen-2) suggests that this variant is likely to be disruptive. In summary, the available evidence is currently insufficient to determine the role of this variant in disease. Therefore, it has been classified as a Variant of Uncertain Significance.

NM_031935.3(HMCN1):c.2890A>G (p.Asn964Asp)

Gene: HMCN1 (hemicentin 1; plus strand). Cytogenetic location: 1q31.1.
Variant type: single nucleotide variant.
Coding change: c.2890A>G on transcript NM_031935.3 (MANE Select); coding-DNA position 2890, A replaced by G.
Protein change: p.Asn964Asp; replaces asparagine 964 with aspartic acid.
Molecular consequence: missense variant.
Genome position (GRCh38, 1-based): chr1:185,984,268, A>G. VCF-style: chr1-185984268-A-G. GRCh37 (hg19) VCF-style: chr1-185953400-A-G.
Other names: short protein forms N964D.
Identifiers: ClinVar variation 3695461 (VCV003695461.2).
Genomic context (GRCh38, chr1:185,984,268, plus strand): 5'-AGCCTCCATATTGAAAGAGTTCAGCTTCAGGATGGTGGTGAATATACTTGTGTGGCCAGT[A>G]ACGTTGCTGGGACCAATAACAAAACTACCTCTGTGGTTGTGCATGGTAAGAGACACACCC-3'
Protein context (NP_114141.2, residues 954-974): DGGEYTCVAS[Asn964Asp]VAGTNNKTTS